The following continues an entry in ClinVar:

NM_001130987.2(DYSF):c.5419C>T (p.Arg1807Trp)

Gene: DYSF. ClinVar aggregate classification (germline): Pathogenic. Pathogenic (1).

Submissions 10 to 15 of 15:

Women's Health and Genetics/Laboratory Corporation of America, LabCorp
Classification: Pathogenic for Autosomal recessive limb-girdle muscular dystrophy. Last evaluated: 2023-01-24. Review status: criteria provided, single submitter. Criteria: LabCorp Variant Classification Summary - May 2015. Collection method: clinical testing. Allele origin: germline. Not counted in ClinVar's aggregate classification.
Comment: Variant summary: DYSF c.5302C>T (p.Arg1768Trp) results in a non-conservative amino acid change in the encoded protein sequence. Five of five in-silico tools predict a damaging effect of the variant on protein function. The variant allele was found at a frequency of 8e-06 in 251232 control chromosomes. c.5302C>T has been reported in the literature as a biallelic homozygous or compound heterozygous genotype in multiple individuals affected with features of Miyoshi Myopathy/Limb-Girdle Muscular Dystrophy, Autosomal Recessive 2B (example, PMID: 21522182, 17070050, 33715265). These data indicate that the variant is very likely to be associated with disease. Eight clinical diagnostic laboratories have submitted clinical-significance assessments for this variant to ClinVar after 2014 without evidence for independent evaluation. All laboratories classified the variant as pathogenic/likely pathogenic. Based on the evidence outlined above, the variant was classified as pathogenic.

Athena Diagnostics
Classification: Likely pathogenic. Last evaluated: 2022-09-08. Review status: criteria provided, single submitter. Criteria: Athena Diagnostics Criteria. Collection method: clinical testing. Allele origin: unknown. Not counted in ClinVar's aggregate classification.
Comment: The frequency of this variant in the general population is consistent with pathogenicity. In multiple individuals, including cases of Miyoshi myopathy and limb girdle muscular dystrophy, this variant has been seen with a single recessive pathogenic variant in the same gene, suggesting this variant may also be pathogenic. Computational tools predict that this variant is damaging.

CeGaT Center for Human Genetics Tuebingen
Classification: Likely pathogenic. Last evaluated: 2020-09-01. Review status: criteria provided, single submitter. Criteria: CeGaT Center For Human Genetics Tuebingen Variant Classification Criteria Version 2. Collection method: clinical testing. Allele origin: germline. Affected: yes. Observed: 1 variant allele. Not counted in ClinVar's aggregate classification.

Institute of Human Genetics Munich, TUM University Hospital
Classification: Pathogenic for Autosomal recessive limb-girdle muscular dystrophy type 2B. Last evaluated: 2019-01-04. Review status: criteria provided, single submitter. Criteria: Classification criteria August 2017. Collection method: clinical testing. Allele origin: germline. Inheritance: Autosomal recessive inheritance. Affected: yes. Observed: 1 homozygote. Not counted in ClinVar's aggregate classification.

Eurofins Ntd Llc (ga)
Classification: Pathogenic. Last evaluated: 2017-03-29. Review status: criteria provided, single submitter. Criteria: EGL Classification Definitions 2015. Collection method: clinical testing. Allele origin: germline. Observed: 5 variant alleles, 4 heterozygotes, 1 homozygote. Not counted in ClinVar's aggregate classification.

Counsyl
Classification: Likely pathogenic for Autosomal recessive limb-girdle muscular dystrophy type 2B. Last evaluated: 2018-05-04. Review status: no assertion criteria provided. Collection method: clinical testing. Allele origin: unknown. Not counted in ClinVar's aggregate classification.

Literature cited by the submitters: PubMed 35028538 (cited by ClinGen Limb Girdle Muscular Dystrophy Variant Curation Expert Panel, ClinGen); PubMed 17070050 (cited by 4 submitters); PubMed 17698709 (cited by Labcorp Genetics (formerly Invitae), Labcorp and Athena Diagnostics); PubMed 18853459 (cited by 3 submitters); PubMed 25591676 (cited by 3 submitters); PubMed 25783436 (cited by Labcorp Genetics (formerly Invitae), Labcorp and Athena Diagnostics); PubMed 27647186 (cited by 3 submitters); PubMed 21522182 (cited by 3 submitters); PubMed 29797799 (cited by Natera, Inc.); PubMed 33715265 (cited by 3 submitters); PubMed 32576226 (cited by Natera, Inc. and Athena Diagnostics); PubMed 31475473 (cited by 3billion); PubMed 16996541 (cited by 3billion and Athena Diagnostics); PubMed 25046369 (cited by Athena Diagnostics); PubMed 34440373 (cited by Athena Diagnostics); PubMed 31407473 (cited by Athena Diagnostics); PubMed 33610434 (cited by Athena Diagnostics); PubMed 18808059 (cited by Athena Diagnostics).